The following is an entry in ClinVar:

NC_000007.13:g.(?_117120137)_(117173634_?)del

Gene: CFTR (CF transmembrane conductance regulator; plus strand). Cytogenetic location: 7q31.2.
Variant type: Deletion.
Identifiers: ClinVar variation 2423161 (VCV002423161.4).

ClinVar aggregate classification (germline): Pathogenic (1 of 4 stars; one submission).

Conditions:
Cystic fibrosis (CF). Also called: MUCOVISCIDOSIS. Identifiers: Orphanet 586, MedGen C0010674, MONDO:0009061, OMIM 219700. Disease mechanism: loss of function.

Submission:

Labcorp Genetics (formerly Invitae), Labcorp
Classification: Pathogenic for Cystic fibrosis. Last evaluated: 2022-06-30. Review status: criteria provided, single submitter. Criteria: Invitae Variant Classification Sherloc (09022015). Collection method: clinical testing. Allele origin: germline.
Comment: This variant has not been reported in the literature in individuals affected with CFTR-related conditions. For these reasons, this variant has been classified as Pathogenic. This variant results in the deletion of exon(s) 2-4 and part of exon 1 (c.-12_490-696delins) of the CFTR gene. It is expected to result in an absent or disrupted protein product. Loss-of-function variants in CFTR are known to be pathogenic (PMID: 1695717, 7691345, 9725922).

Literature cited by the submitters: PubMed 1695717; PubMed 7691345; PubMed 9725922.